The following is an entry in ClinVar:

NM_000094.4(COL7A1):c.6190G>T (p.Gly2064Ter)

Gene: COL7A1 (collagen type VII alpha 1 chain; minus strand). Cytogenetic location: 3p21.31.
Variant type: single nucleotide variant.
Coding change: c.6190G>T on transcript NM_000094.4 (MANE Select); coding-DNA position 6190, G replaced by T.
Protein change: p.Gly2064Ter; replaces glycine 2064 with a stop codon.
Molecular consequence: nonsense.
Genome position (GRCh38, 1-based): chr3:48,575,233, C>A on the plus strand (G>T on the coding strand, the complement: COL7A1 is on the minus strand). VCF-style: chr3-48575233-C-A. GRCh37 (hg19) VCF-style: chr3-48612666-C-A.
Other names: short protein forms G2064*.
Identifiers: ClinVar variation 2031065 (VCV002031065.4), dbSNP rs866061439, ClinGen allele CA352662674.

ClinVar aggregate classification (germline): Pathogenic (1 of 4 stars; one submission).

Submission:

Labcorp Genetics (formerly Invitae), Labcorp
Classification: Pathogenic. Last evaluated: 2022-09-18. Review status: criteria provided, single submitter. Criteria: Invitae Variant Classification Sherloc (09022015). Collection method: clinical testing. Allele origin: germline.
Comment: This variant is not present in population databases (gnomAD no frequency). This sequence change creates a premature translational stop signal (p.Gly2064*) in the COL7A1 gene. It is expected to result in an absent or disrupted protein product. Loss-of-function variants in COL7A1 are known to be pathogenic (PMID: 16971478). This variant has not been reported in the literature in individuals affected with COL7A1-related conditions. For these reasons, this variant has been classified as Pathogenic.

Literature cited by the submitters: PubMed 16971478.